The following is an entry in ClinVar:

NM_001042492.3(NF1):c.4624CTT[1] (p.Leu1543del)

Gene: NF1 (neurofibromin 1; plus strand). Cytogenetic location: 17q11.2.
Variant type: Microsatellite.
Coding change: c.4624CTT[1] on transcript NM_001042492.3 (MANE Select); one copy of the 3-base unit CTT starting at c.4624; the reference has two copies in a row; one copy, 3 bases deleted.
Protein change: p.Leu1543del; deletes leucine 1543.
Molecular consequence: inframe deletion. On other transcripts: inframe indel (1).
Genome position (GRCh38, 1-based): chr17:31,261,760-31,261,762, CTT deleted; deleting any 3 consecutive bases within chr17:31,261,757-31,261,762 gives the same sequence; the position shown is the placement nearest the transcript's 3' end. VCF-style (leftmost placement, unchanged base first): chr17-31261756-ACTT-A. GRCh37 (hg19) VCF-style: chr17-29588774-ACTT-A.
Other names: c.4564_4566delCTT (NM_000267.3); c.4561_4563CTT[1], p.Leu1522del (NM_000267.4); short protein forms L1543del, L1522del.
Identifiers: ClinVar variation 2842207 (VCV002842207.4), dbSNP rs2508429568, ClinGen allele CA2739267407.

ClinVar aggregate classification (germline): Uncertain significance. Review status: criteria provided, multiple submitters, no conflicts (2 of 4 stars). 2 submissions from 2 submitters: Uncertain significance (2). Last evaluated 2023-05-25.

Conditions:
Neurofibromatosis, type 1 (NF1). Also called: Neurofibromatosis, type I; VON RECKLINGHAUSEN DISEASE; NEUROFIBROMATOSIS, TYPE I, SOMATIC; Peripheral type neurofibromatosis. Identifiers: Orphanet 636, MedGen C0027831, MONDO:0018975, OMIM 162200. Disease mechanism: loss of function.
Hereditary cancer-predisposing syndrome. Also called: Hereditary Cancer Syndrome; Hereditary neoplastic syndrome; Neoplastic Syndromes, Hereditary; Tumor predisposition. Identifiers: Orphanet 140162, MedGen C0027672, MeSH D009386, MONDO:0015356.
Cardiovascular phenotype. Identifiers: MedGen CN230736.

Submissions (2):

Ambry Genetics
Classification: Uncertain significance for Cardiovascular phenotype; Hereditary cancer-predisposing syndrome. Last evaluated: 2023-05-25. Review status: criteria provided, single submitter. Criteria: Ambry Variant Classification Scheme 2023. Collection method: clinical testing. Allele origin: germline.
Comment: The c.4564_4566delCTT variant (also known as p.L1522del) is located in coding exon 34 of the NF1 gene. This variant results from an in-frame CTT deletion at nucleotide positions 4564 to 4566. This results in the in-frame deletion of a leucine at codon 1522. This amino acid position is highly conserved in available vertebrate species. In addition, this alteration is predicted to be deleterious by in silico analysis (Choi Y et al. PLoS ONE. 2012; 7(10):e46688). Since supporting evidence is limited at this time, the clinical significance of this alteration remains unclear.

Labcorp Genetics (formerly Invitae), Labcorp
Classification: Uncertain significance for Neurofibromatosis, type 1. Last evaluated: 2023-03-02. Review status: criteria provided, single submitter. Criteria: Invitae Variant Classification Sherloc (09022015). Collection method: clinical testing. Allele origin: germline.
Comment: This variant, c.4564_4566del, results in the deletion of 1 amino acid(s) of the NF1 protein (p.Leu1522del), but otherwise preserves the integrity of the reading frame. This variant is not present in population databases (gnomAD no frequency). This variant has not been reported in the literature in individuals affected with NF1-related conditions. Experimental studies and prediction algorithms are not available or were not evaluated, and the functional significance of this variant is currently unknown. In summary, the available evidence is currently insufficient to determine the role of this variant in disease. Therefore, it has been classified as a Variant of Uncertain Significance.